The following is an entry in ClinVar:

NM_170707.4(LMNA):c.410T>C (p.Leu137Pro)

Genes: LMNA (lamin A/C; plus strand), LOC126805877 (MED14-independent group 3 enhancer GRCh37_chr1:156099693-156100892; plus strand). Cytogenetic location: 1q22.
Variant type: single nucleotide variant.
Coding change: c.410T>C on transcript NM_170707.4 (MANE Select); coding-DNA position 410, T replaced by C.
Protein change: p.Leu137Pro; replaces leucine 137 with proline.
Molecular consequence: missense variant.
Genome position (GRCh38, 1-based): chr1:156,130,670, T>C. VCF-style: chr1-156130670-T-C. GRCh37 (hg19) VCF-style: chr1-156100461-T-C.
Other names: c.410T>C, p.Leu137Pro (NM_170708.4, NM_001282625.2, NM_001282626.2 and 1 more transcripts); c.74T>C, p.Leu25Pro (NM_001257374.3); c.167T>C, p.Leu56Pro (NM_001282624.2); short protein forms L137P, L25P, L56P.
Identifiers: ClinVar variation 246539 (VCV000246539.2), dbSNP rs879254302, ClinGen allele CA10584117.
Genomic context (GRCh38, chr1:156,130,670, plus strand): 5'-TCTTTAGCAATACCAAGAAGGAGGGTGACCTGATAGCTGCTCAGGCTCGGCTGAAGGACC[T>C]GGAGGCTCTGCTGAACTCCAAGGAGGCCGCACTGAGCACTGCTCTCAGTGAGAAGCGCAC-3'
Protein context (NP_733821.1, residues 127-147): LIAAQARLKD[Leu137Pro]EALLNSKEAA

ClinVar aggregate classification (germline): Uncertain significance. Review status: criteria provided, multiple submitters, no conflicts (2 of 4 stars). 2 submissions from 2 submitters: Uncertain significance (2). Last evaluated 2025-10-06.

Conditions:
Charcot-Marie-Tooth disease type 2. Also called: Charcot-Marie-Tooth type 2. Identifiers: Orphanet 64746, MedGen C0270914, MONDO:0018993.

Submissions (2):

Labcorp Genetics (formerly Invitae), Labcorp
Classification: Uncertain significance for Charcot-Marie-Tooth disease type 2. Last evaluated: 2025-10-06. Review status: criteria provided, single submitter. Criteria: Invitae Variant Classification Sherloc (09022015). Collection method: clinical testing. Allele origin: germline.
Comment: This sequence change replaces leucine, which is neutral and non-polar, with proline, which is neutral and non-polar, at codon 137 of the LMNA protein (p.Leu137Pro). This variant is not present in population databases (gnomAD no frequency). This variant has not been reported in the literature in individuals affected with LMNA-related conditions. ClinVar contains an entry for this variant (Variation ID: 246539). Invitae Evidence Modeling of protein sequence and biophysical properties (such as structural, functional, and spatial information, amino acid conservation, physicochemical variation, residue mobility, and thermodynamic stability) indicates that this missense variant is expected to disrupt LMNA protein function with a positive predictive value of 95%. In summary, the available evidence is currently insufficient to determine the role of this variant in disease. Therefore, it has been classified as a Variant of Uncertain Significance.

GeneDx
Classification: Uncertain significance. Last evaluated: 2016-04-26. Review status: criteria provided, single submitter. Criteria: GeneDx Variant Classification (06012015). Collection method: clinical testing. Allele origin: germline. Affected: yes.
Comment: The L137P variant has not been publishedas a pathogenic variant, nor has it been reported as a benign variant to our knowledge. It was not observed inapproximately 6,500 individuals of European and African American ancestry in the NHLBI Exome SequencingProject, indicating it is not a common benign variant in these populations. The L137P variant is a semi-conservativeamino acid substitution, which may impact secondary protein structure as these residues differ in some properties.This substitution occurs at a position that is conserved across species, and multiple missense variants in nearbyresidues have been reported in the Human Gene Mutation Database in association with LMNA-related disorders(Stenson et al., 2014), supporting the functional importance of this region of the protein. In silico analysis predictsthis variant is probably damaging to the protein structure/function.